The following is an entry in ClinVar:

ClinVar aggregate classification (germline): Uncertain significance. Review status: criteria provided, multiple submitters, no conflicts (2 of 4 stars). 2 submissions from 2 submitters: Uncertain significance (2). Last evaluated 2022-11-02.

Conditions:
Mitochondrial complex I deficiency. Also called: NADH:Q(1) OXIDOREDUCTASE DEFICIENCY. Identifiers: Orphanet 2609, MedGen C1838979, MeSH C537475, MONDO:0100133.

Allele frequency attached by ClinVar (database versions not stated): TOPMed below 0.00001; ExAC 0.00001; gnomAD 0.00001; gnomAD exomes 0.00001.
gnomAD v4.1: 2 of 1,612,808 alleles (0.00012%); highest among the groups gnomAD compares: Admixed American, 0.0017%; no homozygotes.

Submissions (2):

GeneDx
Classification: Uncertain significance. Last evaluated: 2022-11-02. Review status: criteria provided, single submitter. Criteria: GeneDx Variant Classification Process June 2021. Collection method: clinical testing. Allele origin: germline. Affected: yes.
Comment: Not observed at significant frequency in large population cohorts (gnomAD); In silico analysis supports that this missense variant has a deleterious effect on protein structure/function; Has not been previously published as pathogenic or benign to our knowledge

Genomic Research Center, Shahid Beheshti University of Medical Sciences
Classification: Uncertain significance for Mitochondrial complex I deficiency. Last evaluated: 2019-01-01. Review status: criteria provided, single submitter. Criteria: ACMG Guidelines, 2015. Collection method: clinical testing. Allele origin: inherited. Affected: yes. Observed: 1 variant allele.

NM_016013.4(NDUFAF1):c.901A>T (p.Ile301Phe)

Gene: NDUFAF1 (NADH:ubiquinone oxidoreductase complex assembly factor 1; minus strand). Cytogenetic location: 15q15.1.
Variant type: single nucleotide variant.
Coding change: c.901A>T on transcript NM_016013.4 (MANE Select); coding-DNA position 901, A replaced by T.
Protein change: p.Ile301Phe; replaces isoleucine 301 with phenylalanine.
Molecular consequence: missense variant. On other transcripts: non-coding transcript variant (1).
Genome position (GRCh38, 1-based): chr15:41,387,527, T>A on the plus strand (A>T on the coding strand, the complement: NDUFAF1 is on the minus strand). VCF-style: chr15-41387527-T-A. GRCh37 (hg19) VCF-style: chr15-41679725-T-A.
Other names: short protein forms I301F.
Identifiers: ClinVar variation 634501 (VCV000634501.6), dbSNP rs759274620, ClinGen allele CA7491199.